The following is an entry in ClinVar:

NM_000038.6(APC):c.7158G>C (p.Lys2386Asn)

Gene: APC (APC regulator of Wnt signaling pathway; plus strand). Cytogenetic location: 5q22.2.
Variant type: single nucleotide variant.
Coding change: c.7158G>C on transcript NM_000038.6 (MANE Select); coding-DNA position 7158, G replaced by C.
Protein change: p.Lys2386Asn; replaces lysine 2386 with asparagine.
Molecular consequence: missense variant.
Genome position (GRCh38, 1-based): chr5:112,842,752, G>C. VCF-style: chr5-112842752-G-C. GRCh37 (hg19) VCF-style: chr5-112178449-G-C.
Other names: c.7158G>C, p.Lys2386Asn (NM_001127510.3, NM_001354895.2); c.7104G>C, p.Lys2368Asn (NM_001127511.3); c.7212G>C, p.Lys2404Asn (NM_001354896.2); c.7188G>C, p.Lys2396Asn (NM_001354897.2); c.7083G>C, p.Lys2361Asn (NM_001354898.2); c.7074G>C, p.Lys2358Asn (NM_001354899.2); c.7035G>C, p.Lys2345Asn (NM_001354900.2); c.6981G>C, p.Lys2327Asn (NM_001354901.2); and 5 more; short protein forms K2103N, K2327N, K2345N, K2361N, K2295N, K2260N, K2358N, K2368N.
Identifiers: ClinVar variation 923917 (VCV000923917.7), dbSNP rs1766393148, ClinGen allele CA16036918.

ClinVar aggregate classification (germline): Uncertain significance. Review status: criteria provided, multiple submitters, no conflicts (2 of 4 stars). 2 submissions from 2 submitters: Uncertain significance (2). Last evaluated 2024-03-06.

Conditions:
Hereditary cancer-predisposing syndrome. Also called: Neoplastic Syndromes, Hereditary; Tumor predisposition; Hereditary Cancer Syndrome; Hereditary neoplastic syndrome. Identifiers: Orphanet 140162, MedGen C0027672, MeSH D009386, MONDO:0015356.

Allele frequency attached by ClinVar (database versions not stated): gnomAD exomes below 0.00001.
gnomAD v4.1: 2 of 1,613,992 alleles (0.00012%); highest among the groups gnomAD compares: Admixed American, 0.0033%; no homozygotes.

Submissions (2):

Color Diagnostics, LLC DBA Color Health
Classification: Uncertain significance for Hereditary cancer-predisposing syndrome. Last evaluated: 2024-03-06. Review status: criteria provided, single submitter. Criteria: ACMG Guidelines, 2015. Collection method: clinical testing. Allele origin: germline.
Comment: This missense variant replaces lysine with asparagine at codon 2386 of the APC protein. Computational prediction suggests that this variant may not impact protein structure and function (internally defined REVEL score threshold <= 0.5, PMID: 27666373). Splice site prediction tools suggest that this variant may not impact RNA splicing. To our knowledge, functional studies have not been reported for this variant. This variant has not been reported in individuals affected with hereditary cancer in the literature. This variant has not been identified in the general population by the Genome Aggregation Database (gnomAD). The available evidence is insufficient to determine the role of this variant in disease conclusively. Therefore, this variant is classified as a Variant of Uncertain Significance.

Ambry Genetics
Classification: Uncertain significance for Hereditary cancer-predisposing syndrome. Last evaluated: 2023-05-04. Review status: criteria provided, single submitter. Criteria: Ambry Variant Classification Scheme 2023. Collection method: clinical testing. Allele origin: germline.
Comment: The p.K2386N variant (also known as c.7158G>C), located in coding exon 15 of the APC gene, results from a G to C substitution at nucleotide position 7158. The lysine at codon 2386 is replaced by asparagine, an amino acid with similar properties. This amino acid position is conserved. In addition, in silico predictors for this gene do not accurately predict pathogenicity. Since supporting evidence is limited at this time, the clinical significance of this alteration remains unclear.